The following is an entry in ClinVar:

NM_020297.4(ABCC9):c.2199-18T>C

Gene: ABCC9 (ATP binding cassette subfamily C member 9; minus strand). Cytogenetic location: 12p12.1.
Variant type: single nucleotide variant.
Coding change: c.2199-18T>C on transcript NM_020297.4 (MANE Select); 18 bases into the intron before coding-DNA position 2199, T replaced by C.
Molecular consequence: intron variant.
Genome position (GRCh38, 1-based): chr12:21,864,495, A>G on the plus strand (T>C on the coding strand, the complement: ABCC9 is on the minus strand). VCF-style: chr12-21864495-A-G. GRCh37 (hg19) VCF-style: chr12-22017429-A-G.
Other names: c.1335-18T>C (NM_001377274.1); c.2199-18T>C (NM_005691.4, NM_001377273.1).
Identifiers: ClinVar variation 4707993 (VCV004707993.1).
Genomic context (GRCh38, chr12:21,864,495, plus strand): 5'-ATACCTTCTGGTTGCTTCAAAAGAAGGCTCAGATTCATTTACACTGCAAGTATGGCAAAC[A>G]ATGTTCATTAATTATGAAGTAGAAATATAGAACCAATGTGCATACACGTCAGGTAAGAGA-3'

ClinVar aggregate classification (germline): Uncertain significance (1 of 4 stars; one submission).

Conditions:
Dilated cardiomyopathy 1O (CMD1O). Also called: CARDIOMYOPATHY, DILATED, WITH VENTRICULAR TACHYCARDIA. Identifiers: Orphanet 154, MedGen C1837839, MONDO:0012062, OMIM 608569.

Submission:

Labcorp Genetics (formerly Invitae), Labcorp
Classification: Uncertain significance for Dilated cardiomyopathy 1O. Last evaluated: 2025-05-27. Review status: criteria provided, single submitter. Criteria: Invitae Variant Classification Sherloc (09022015). Collection method: clinical testing. Allele origin: germline.
Comment: This sequence change falls in intron 16 of the ABCC9 gene. It does not directly change the encoded amino acid sequence of the ABCC9 protein. This variant is not present in population databases (gnomAD no frequency). This variant has not been reported in the literature in individuals affected with ABCC9-related conditions. Algorithms developed to predict the effect of sequence changes on RNA splicing suggest that this variant may disrupt the consensus splice site. In summary, the available evidence is currently insufficient to determine the role of this variant in disease. Therefore, it has been classified as a Variant of Uncertain Significance.